The following is an entry in ClinVar:

ClinVar aggregate classification (germline): Likely benign (1 of 4 stars; one submission).

Allele frequency attached by ClinVar (database versions not stated): 1000 Genomes Project 0.00140; 1000 Genomes Project 30x 0.00156; ExAC 0.00285; TOPMed 0.00322; gnomAD 0.00334; ESP Exome Variant Server 0.00377.
gnomAD v4.1: 6,540 of 1,591,812 alleles (0.41%); highest among the groups gnomAD compares: Non-Finnish European, 0.48%; 11 homozygotes.

Submission:

CeGaT Center for Human Genetics Tuebingen
Classification: Likely benign. Last evaluated: 2022-03-01. Review status: criteria provided, single submitter. Criteria: CeGaT Center For Human Genetics Tuebingen Variant Classification Criteria Version 2. Collection method: clinical testing. Allele origin: germline. Affected: yes. Observed: 1 variant allele.
Comment: ABR: BP4, BP7

NM_021962.5(ABR):c.2079G>A (p.Ala693=)

Gene: ABR (ABR activator of RhoGEF and GTPase; minus strand). Cytogenetic location: 17p13.3.
Variant type: single nucleotide variant.
Coding change: c.2079G>A on transcript NM_021962.5 (MANE Select); coding-DNA position 2079, G replaced by A.
Protein change: p.Ala693=; no amino-acid change (alanine 693 retained).
Molecular consequence: synonymous variant.
Genome position (GRCh38, 1-based): chr17:1,011,868, C>T on the plus strand (G>A on the coding strand, the complement: ABR is on the minus strand). VCF-style: chr17-1011868-C-T. GRCh37 (hg19) VCF-style: chr17-915108-C-T.
Other names: c.1968G>A, p.Ala656= (NM_001092.5); c.1941G>A, p.Ala647= (NM_001159746.3, NM_001322840.2); c.432G>A, p.Ala144= (NM_001256847.3); c.1425G>A, p.Ala475= (NM_001282149.2); c.2856G>A, p.Ala952= (NM_001322841.2).
Identifiers: ClinVar variation 2647181 (VCV002647181.24), dbSNP rs149677223, ClinGen allele CA8264749.